The following is an entry in ClinVar:

ClinVar aggregate classification (germline): Uncertain significance (1 of 4 stars; one submission).

Conditions:
Familial adenomatous polyposis 1 (FAP1). Also called: FAMILIAL ADENOMATOUS POLYPOSIS 1, ATTENUATED; POLYPOSIS, ADENOMATOUS INTESTINAL. Identifiers: MedGen C2713442, MONDO:0021056, OMIM 175100. Disease mechanism: loss of function.

Allele frequency attached by ClinVar (database versions not stated): gnomAD 0.00001.
gnomAD v4.1: 1 of 1,562,262 alleles (0.000064%); highest among the groups gnomAD compares: African/African-American, 0.0014%; no homozygotes.

Submission:

Labcorp Genetics (formerly Invitae), Labcorp
Classification: Uncertain significance for Familial adenomatous polyposis 1. Last evaluated: 2025-03-31. Review status: criteria provided, single submitter. Criteria: Invitae Variant Classification Sherloc (09022015). Collection method: clinical testing. Allele origin: germline.
Comment: This sequence change falls in intron 3 of the APC gene. It does not directly change the encoded amino acid sequence of the APC protein. This variant is present in population databases (no rsID available, gnomAD 0.007%). This variant has not been reported in the literature in individuals affected with APC-related conditions. ClinVar contains an entry for this variant (Variation ID: 2418216). Studies have shown that this variant is associated with inconclusive levels of altered splicing (internal data). In summary, the available evidence is currently insufficient to determine the role of this variant in disease. Therefore, it has been classified as a Variant of Uncertain Significance.

NM_000038.6(APC):c.220+19T>A

Gene: APC (APC regulator of Wnt signaling pathway; plus strand). Cytogenetic location: 5q22.2.
Variant type: single nucleotide variant.
Coding change: c.220+19T>A on transcript NM_000038.6 (MANE Select); 19 bases into the intron after coding-DNA position 220, T replaced by A.
Molecular consequence: intron variant.
Genome position (GRCh38, 1-based): chr5:112,766,429, T>A. VCF-style: chr5-112766429-T-A. GRCh37 (hg19) VCF-style: chr5-112102126-T-A.
Other names: c.220+19T>A (NM_001354895.2, NM_001127510.3, NM_001354896.2 and 2 more transcripts); c.250+19T>A (NM_001354897.2, NM_001354902.2, NM_001127511.3); c.145+19T>A (NM_001354898.2, NM_001354904.2); c.-816+19T>A (NM_001354906.2); c.43+19T>A (NM_001354900.2, NM_001354901.2, NM_001354905.2).
Identifiers: ClinVar variation 2418216 (VCV002418216.6), dbSNP rs754354718, ClinGen allele CA124975101.